The following is an entry in ClinVar:

NM_007118.4(TRIO):c.2860del (p.Gln954fs)

Gene: TRIO (trio Rho guanine nucleotide exchange factor; plus strand). Cytogenetic location: 5p15.2.
Variant type: Deletion.
Coding change: c.2860del on transcript NM_007118.4 (MANE Select); coding-DNA position 2860, one base deleted (C; older notation c.2860delC).
Protein change: p.Gln954fs; shifts the reading frame from glutamine 954.
Molecular consequence: frameshift variant. On other transcripts: non-coding transcript variant (1).
Genome position (GRCh38, 1-based): chr5:14,366,965, C deleted; the last of 2 consecutive C bases (chr5:14,366,964-14,366,965); deleting either gives the same sequence. VCF-style (leftmost placement, unchanged base first): chr5-14366963-TC-T. GRCh37 (hg19) VCF-style: chr5-14367072-TC-T.
Other names: c.2797del (XM_047417679.1); short protein forms Q954fs.
Identifiers: ClinVar variation 3731319 (VCV003731319.1).

ClinVar aggregate classification (germline): Likely pathogenic (1 of 4 stars; one submission).

Submission:

Institute of Human Genetics, FAU Erlangen, Friedrich-Alexander-Universität Erlangen-Nürnberg
Classification: Likely pathogenic. Last evaluated: 2025-02-20. Review status: criteria provided, single submitter. Criteria: Hauer et al. (Genet Med. 2018). Collection method: clinical testing. Allele origin: germline. Inheritance: Unknown mechanism. Affected: yes. Observed: 1 variant allele.
Comment: This variant has been identified by standard clinical testing. Selected ACMG criteria: Likely pathogenic (I):PM2;PVS1